The following is an entry in ClinVar:

ClinVar aggregate classification (germline): Uncertain significance (1 of 4 stars; one submission).

Conditions:
Hereditary pancreatitis (PCTT). Also called: Hereditary chronic pancreatitis; PRSS1-Related Hereditary Pancreatitis. Identifiers: Orphanet 676, MedGen C0238339, MONDO:0008185, OMIM 167800.

Submission:

Ambry Genetics
Classification: Uncertain significance for Hereditary pancreatitis. Last evaluated: 2025-05-07. Review status: criteria provided, single submitter. Criteria: Ambry Variant Classification Scheme 2023. Collection method: clinical testing. Allele origin: germline.
Comment: The p.A393T variant (also known as c.1177G>A), located in coding exon 10 of the CPA1 gene, results from a G to A substitution at nucleotide position 1177. The alanine at codon 393 is replaced by threonine, an amino acid with similar properties. This amino acid position is conserved. In addition, the in silico prediction for this alteration is inconclusive. Based on the available evidence, the clinical significance of this variant remains unclear.

NM_001868.4(CPA1):c.1177G>A (p.Ala393Thr)

Gene: CPA1 (carboxypeptidase A1; plus strand). Cytogenetic location: 7q32.2.
Variant type: single nucleotide variant.
Coding change: c.1177G>A on transcript NM_001868.4 (MANE Select); coding-DNA position 1177, G replaced by A.
Protein change: p.Ala393Thr; replaces alanine 393 with threonine.
Molecular consequence: missense variant.
Genome position (GRCh38, 1-based): chr7:130,387,928, G>A. VCF-style: chr7-130387928-G-A. GRCh37 (hg19) VCF-style: chr7-130027769-G-A.
Other names: short protein forms A393T.
Identifiers: ClinVar variation 4006054 (VCV004006054.1).